The following is an entry in ClinVar:

ClinVar aggregate classification (germline): Uncertain significance (1 of 4 stars; one submission).

Conditions:
Ehlers-Danlos syndrome, classic type, 1 (EDSCL1). Also called: EHLERS-DANLOS SYNDROME, GRAVIS TYPE; EHLERS-DANLOS SYNDROME, SEVERE CLASSIC TYPE; Ehlers-Danlos syndrome, type 1; Ehlers-Danlos Syndrome, Classic Type, COL5A1-Related; EDS I. Identifiers: MedGen C0268335, MONDO:0019567, OMIM 130000.

Allele frequency attached by ClinVar (database versions not stated): ExAC 0.00001; gnomAD exomes below 0.00001.
gnomAD v4.1: 1 of 1,612,616 alleles (0.000062%); highest among the groups gnomAD compares: East Asian, 0.0022%; no homozygotes.

Submission:

Labcorp Genetics (formerly Invitae), Labcorp
Classification: Uncertain significance for Ehlers-Danlos syndrome, classic type, 1. Last evaluated: 2024-12-04. Review status: criteria provided, single submitter. Criteria: Invitae Variant Classification Sherloc (09022015). Collection method: clinical testing. Allele origin: germline.
Comment: This sequence change replaces alanine, which is neutral and non-polar, with valine, which is neutral and non-polar, at codon 553 of the COL5A1 protein (p.Ala553Val). This variant is present in population databases (rs767143136, gnomAD 0.006%). This variant has not been reported in the literature in individuals affected with COL5A1-related conditions. ClinVar contains an entry for this variant (Variation ID: 1496162). Invitae Evidence Modeling of protein sequence and biophysical properties (such as structural, functional, and spatial information, amino acid conservation, physicochemical variation, residue mobility, and thermodynamic stability) has been performed for this missense variant. However, the output from this modeling did not meet the statistical confidence thresholds required to predict the impact of this variant on COL5A1 protein function. In summary, the available evidence is currently insufficient to determine the role of this variant in disease. Therefore, it has been classified as a Variant of Uncertain Significance.

NM_000093.5(COL5A1):c.1658C>T (p.Ala553Val)

Gene: COL5A1 (collagen type V alpha 1 chain; plus strand). Cytogenetic location: 9q34.3.
Variant type: single nucleotide variant.
Coding change: c.1658C>T on transcript NM_000093.5 (MANE Select); coding-DNA position 1658, C replaced by T.
Protein change: p.Ala553Val; replaces alanine 553 with valine.
Molecular consequence: missense variant.
Genome position (GRCh38, 1-based): chr9:134,750,878, C>T. VCF-style: chr9-134750878-C-T. GRCh37 (hg19) VCF-style: chr9-137642724-C-T.
Other names: c.1658C>T, p.Ala553Val (NM_001278074.1); short protein forms A553V.
Identifiers: ClinVar variation 1496162 (VCV001496162.6), dbSNP rs767143136, ClinGen allele CA5318886.